The following is an entry in ClinVar:

ClinVar aggregate classification (germline): Conflicting classifications of pathogenicity. Review status: criteria provided, conflicting classifications (1 of 4 stars). 2 submissions from 2 submitters: Uncertain significance (1); Likely benign (1). Last evaluated 2025-07-08.

Conditions:
Ornithine carbamoyltransferase deficiency (OTCD). Also called: OTC DEFICIENCY; ORNITHINE TRANSCARBAMYLASE DEFICIENCY; ORNITHINE TRANSCARBAMYLASE DEFICIENCY, HYPERAMMONEMIA DUE TO; Ornithine Carbamoyltransferase Deficiency Disease. Identifiers: Orphanet 664, MedGen C0268542, MONDO:0010703, OMIM 311250.

Allele frequency attached by ClinVar (database versions not stated): gnomAD exomes below 0.00001 and 0.00002; ExAC 0.00001; TOPMed 0.00001; gnomAD 0.00002.
gnomAD v4.1: 6 of 1,128,440 alleles (0.00053%); highest among the groups gnomAD compares: Non-Finnish European, 0.00071%; no homozygotes.

Submissions (2):

Labcorp Genetics (formerly Invitae), Labcorp
Classification: Likely benign for Ornithine carbamoyltransferase deficiency. Last evaluated: 2025-07-08. Review status: criteria provided, single submitter. Criteria: Invitae Variant Classification Sherloc (09022015). Collection method: clinical testing. Allele origin: germline.

Color Diagnostics, LLC DBA Color Health
Classification: Uncertain significance for Ornithine carbamoyltransferase deficiency. Last evaluated: 2023-11-15. Review status: criteria provided, single submitter. Criteria: ACMG Guidelines, 2015. Collection method: clinical testing. Allele origin: germline.
Comment: This missense variant replaces histidine with arginine at codon 255 of the OTC protein. Computational prediction suggests that this variant may not impact protein structure and function. To our knowledge, functional studies have not been reported for this variant. This variant has not been reported in individuals affected with ornithine carbamoyltransferase deficiency in the literature. This variant has been identified in 3/183229 chromosomes in the general population by the Genome Aggregation Database (gnomAD). The available evidence is insufficient to determine the role of this variant in disease conclusively. Therefore, this variant is classified as a Variant of Uncertain Significance.

NM_000531.6(OTC):c.764A>G (p.His255Arg)

Gene: OTC (ornithine transcarbamylase; plus strand). Cytogenetic location: Xp11.4.
Variant type: single nucleotide variant.
Coding change: c.764A>G on transcript NM_000531.6 (MANE Select); coding-DNA position 764, A replaced by G.
Protein change: p.His255Arg; replaces histidine 255 with arginine.
Molecular consequence: missense variant.
Genome position (GRCh38, 1-based): chrX:38,408,922, A>G. VCF-style: chrX-38408922-A-G. GRCh37 (hg19) VCF-style: chrX-38268175-A-G.
Other names: short protein forms H255R.
Identifiers: ClinVar variation 1655516 (VCV001655516.9), dbSNP rs72558440, ClinGen allele CA10385939.